The following is an entry in ClinVar:

NM_001943.5(DSG2):c.2126A>G (p.His709Arg)

Genes: DSG2 (desmoglein 2; plus strand), DSG2-AS1 (DSG2 antisense RNA 1; minus strand). Cytogenetic location: 18q12.1.
Variant type: single nucleotide variant.
Coding change: c.2126A>G on transcript NM_001943.5 (MANE Select); coding-DNA position 2126, A replaced by G.
Protein change: p.His709Arg; replaces histidine 709 with arginine.
Molecular consequence: missense variant.
Genome position (GRCh38, 1-based): chr18:31,542,644, A>G. VCF-style: chr18-31542644-A-G. GRCh37 (hg19) VCF-style: chr18-29122607-A-G.
Other names: short protein forms H709R.
Identifiers: ClinVar variation 921979 (VCV000921979.4), dbSNP rs752557148, ClinGen allele CA044915.

ClinVar aggregate classification (germline): Uncertain significance (1 of 4 stars; one submission).

Conditions:
Cardiomyopathy (CMYO). Also called: Cardiomyopathies. Identifiers: Orphanet 167848, MedGen C0878544, MONDO:0004994, HP:0001638. Inheritance: Various modes of inheritance.

Allele frequency attached by ClinVar (database versions not stated): gnomAD exomes below 0.00001 and 0.00001; TOPMed below 0.00001; ExAC 0.00002.
gnomAD v4.1: 1 of 1,614,186 alleles (0.000062%); highest among the groups gnomAD compares: South Asian, 0.0011%; no homozygotes.

Submission:

Color Diagnostics, LLC DBA Color Health
Classification: Uncertain significance for Cardiomyopathy. Last evaluated: 2024-03-06. Review status: criteria provided, single submitter. Criteria: ACMG Guidelines, 2015. Collection method: clinical testing. Allele origin: germline.
Comment: This missense variant replaces histidine with arginine at codon 709 of the DSG2 protein. Computational prediction suggests that this variant may not impact protein structure and function (internally defined REVEL score threshold <= 0.5, PMID: 27666373). Splice site prediction tools suggest that this variant may not impact RNA splicing. To our knowledge, functional studies have not been performed for this variant. This variant has not been reported in individuals affected with cardiovascular disorders in the literature. This variant has been identified in 2/249446 chromosomes in the general population by the Genome Aggregation Database (gnomAD). The available evidence is insufficient to determine the role of this variant in disease conclusively. Therefore, this variant is classified as a Variant of Uncertain Significance.